The following is an entry in ClinVar:

ClinVar aggregate classification (germline): Uncertain significance (1 of 4 stars; one submission).

Submission:

Labcorp Genetics (formerly Invitae), Labcorp
Classification: Uncertain significance. Last evaluated: 2022-11-02. Review status: criteria provided, single submitter. Criteria: Invitae Variant Classification Sherloc (09022015). Collection method: clinical testing. Allele origin: germline.
Comment: In summary, the available evidence is currently insufficient to determine the role of this variant in disease. Therefore, it has been classified as a Variant of Uncertain Significance. Advanced modeling of protein sequence and biophysical properties (such as structural, functional, and spatial information, amino acid conservation, physicochemical variation, residue mobility, and thermodynamic stability) performed at Invitae indicates that this missense variant is expected to disrupt ACO2 protein function. This variant has not been reported in the literature in individuals affected with ACO2-related conditions. This variant is not present in population databases (gnomAD no frequency). This sequence change replaces lysine, which is basic and polar, with asparagine, which is neutral and polar, at codon 700 of the ACO2 protein (p.Lys700Asn).

NM_001098.3(ACO2):c.2100G>T (p.Lys700Asn)

Genes: POLR3H (RNA polymerase III subunit H; minus strand), ACO2 (aconitase 2; plus strand). Cytogenetic location: 22q13.2.
Variant type: single nucleotide variant.
Coding change: c.2100G>T on transcript NM_001098.3 (MANE Select); coding-DNA position 2100, G replaced by T.
Protein change: p.Lys700Asn; replaces lysine 700 with asparagine.
Molecular consequence: missense variant. On other transcripts: 3 prime UTR variant (5).
Genome position (GRCh38, 1-based): chr22:41,527,914, G>T. VCF-style: chr22-41527914-G-T. GRCh37 (hg19) VCF-style: chr22-41923918-G-T.
Other names: c.*1369C>A (NM_001018050.4, NM_001018052.4, NM_001282884.2 and 2 more transcripts); short protein forms K700N.
Identifiers: ClinVar variation 2811496 (VCV002811496.3), dbSNP rs528913880, ClinGen allele CA411729274.
Genomic context (GRCh38, chr22:41,527,914, plus strand): 5'-TCCAGGCTAGTCAGGCCCCCGATGACCGAATGCCGCCTGCTTTCCAGAGACCAACCTGAA[G>T]AAACAGGGCCTGCTGCCTCTGACCTTCGCTGACCCGGCTGACTACAACAAGATTCACCCT-3'
Protein context (NP_001089.1, residues 690-710): SFARIHETNL[Lys700Asn]KQGLLPLTFA